The following is an entry in ClinVar:

ClinVar aggregate classification (germline): Benign (0 of 4 stars; one submission).

Conditions:
METTL13-related disorder. Also called: METTL13-related condition.

Allele frequency attached by ClinVar (database versions not stated): 1000 Genomes Project 30x 0.10478; 1000 Genomes Project 0.10503; TOPMed 0.12832; ESP Exome Variant Server 0.14486.
gnomAD v4.1: 278,111 of 1,613,532 alleles (17%); highest among the groups gnomAD compares: Non-Finnish European, 19%; 25,640 homozygotes.

Submission:

PreventionGenetics, part of Exact Sciences
Classification: Benign for METTL13-related condition. Last evaluated: 2019-11-19. Review status: no assertion criteria provided. Collection method: clinical testing. Allele origin: germline.
Comment: This variant is classified as benign based on ACMG/AMP sequence variant interpretation guidelines (Richards et al. 2015 PMID: 25741868, with internal and published modifications).

NM_015935.5(METTL13):c.1077G>A (p.Met359Ile)

Gene: METTL13 (methyltransferase 13, eEF1A N-terminus and K55; plus strand). Cytogenetic location: 1q24.3.
Variant type: single nucleotide variant.
Coding change: c.1077G>A on transcript NM_015935.5 (MANE Select); coding-DNA position 1077, G replaced by A.
Protein change: p.Met359Ile; replaces methionine 359 with isoleucine.
Molecular consequence: missense variant.
Genome position (GRCh38, 1-based): chr1:171,786,042, G>A. VCF-style: chr1-171786042-G-A. GRCh37 (hg19) VCF-style: chr1-171755182-G-A.
Other names: c.609G>A, p.Met203Ile (NM_001007239.2); c.819G>A, p.Met273Ile (NM_014955.3); short protein forms M203I, M273I, M359I.
Identifiers: ClinVar variation 3056181 (VCV003056181.2), dbSNP rs2232819, ClinGen allele CA1244777.